The following is an entry in ClinVar:

NM_020381.4(PDSS2):c.244A>C (p.Met82Leu)

Gene: PDSS2 (decaprenyl diphosphate synthase subunit 2; minus strand). Cytogenetic location: 6q21.
Variant type: single nucleotide variant.
Coding change: c.244A>C on transcript NM_020381.4 (MANE Select); coding-DNA position 244, A replaced by C.
Protein change: p.Met82Leu; replaces methionine 82 with leucine.
Molecular consequence: missense variant.
Genome position (GRCh38, 1-based): chr6:107,459,042, T>G on the plus strand (A>C on the coding strand, the complement: PDSS2 is on the minus strand). VCF-style: chr6-107459042-T-G. GRCh37 (hg19) VCF-style: chr6-107780246-T-G.
Other names: short protein forms M82L.
Identifiers: ClinVar variation 3764345 (VCV003764345.1).

ClinVar aggregate classification (germline): Uncertain significance (1 of 4 stars; one submission).

gnomAD v4.1: 8 of 1,613,904 alleles (0.0005%); highest among the groups gnomAD compares: East Asian, 0.0022%; no homozygotes.

Submission:

GeneDx
Classification: Uncertain significance. Last evaluated: 2024-08-19. Review status: criteria provided, single submitter. Criteria: GeneDx Variant Classification Process June 2021. Collection method: clinical testing. Allele origin: germline. Affected: yes.
Comment: Not observed at significant frequency in large population cohorts (gnomAD); In silico analysis indicates that this missense variant does not alter protein structure/function; Has not been previously published as pathogenic or benign to our knowledge